The following is an entry in ClinVar:

ClinVar aggregate classification (germline): Uncertain significance. Review status: criteria provided, multiple submitters, no conflicts (2 of 4 stars). 2 submissions from 2 submitters: Uncertain significance (2). Last evaluated 2025-09-30.

Conditions:
Finnish type amyloidosis. Also called: AMYLOID CRANIAL NEUROPATHY WITH LATTICE CORNEAL DYSTROPHY; AMYLOIDOSIS DUE TO MUTANT GELSOLIN; Lattice corneal dystrophy associated with familial systemic amyloidosis; Meretoja's syndrome; Lattice dystrophy of the cornea with hereditary generalized amyloidosis; Amyloidosis, familial, Finnish type. Identifiers: Orphanet 85448, MedGen C1622345, MONDO:0007097, OMIM 105120.

Submissions (2):

Labcorp Genetics (formerly Invitae), Labcorp
Classification: Uncertain significance. Last evaluated: 2025-09-30. Review status: criteria provided, single submitter. Criteria: Invitae Variant Classification Sherloc (09022015). Collection method: clinical testing. Allele origin: germline.
Comment: This sequence change replaces glycine, which is neutral and non-polar, with arginine, which is basic and polar, at codon 324 of the GSN protein (p.Gly324Arg). This variant is present in population databases (rs766813999, gnomAD 0.0009%). This variant has not been reported in the literature in individuals affected with GSN-related conditions. ClinVar contains an entry for this variant (Variation ID: 3596405). Invitae Evidence Modeling of protein sequence and biophysical properties (such as structural, functional, and spatial information, amino acid conservation, physicochemical variation, residue mobility, and thermodynamic stability) indicates that this missense variant is expected to disrupt GSN protein function with a positive predictive value of 80%. In summary, the available evidence is currently insufficient to determine the role of this variant in disease. Therefore, it has been classified as a Variant of Uncertain Significance.

Fulgent Genetics
Classification: Uncertain significance for Finnish type amyloidosis. Last evaluated: 2024-02-07. Review status: criteria provided, single submitter. Criteria: ACMG Guidelines, 2015. Collection method: clinical testing. Allele origin: germline.

NM_198252.3(GSN):c.817G>A (p.Gly273Arg)

Gene: GSN (gelsolin; plus strand). Cytogenetic location: 9q33.2.
Variant type: single nucleotide variant.
Coding change: c.817G>A on transcript NM_198252.3 (MANE Select); coding-DNA position 817, G replaced by A.
Protein change: p.Gly273Arg; replaces glycine 273 with arginine.
Molecular consequence: missense variant.
Genome position (GRCh38, 1-based): chr9:121,317,149, G>A. VCF-style: chr9-121317149-G-A. GRCh37 (hg19) VCF-style: chr9-124079427-G-A.
Other names: c.970G>A, p.Gly324Arg (NM_000177.5); c.817G>A, p.Gly273Arg (NM_001127662.2, NM_001127664.2, NM_001127665.2 and 10 more transcripts); c.925G>A, p.Gly309Arg (NM_001127663.2); c.850G>A, p.Gly284Arg (NM_001127666.2, NM_001127667.2, NM_001353063.2 and 13 more transcripts); c.868G>A, p.Gly290Arg (NM_001258029.2); c.841G>A, p.Gly281Arg (NM_001258030.2); c.889G>A, p.Gly297Arg (NM_001353076.2); c.163G>A, p.Gly55Arg (NM_001353078.2); short protein forms G281R, G290R, G284R, G273R, G297R, G309R, G324R, G55R.
Identifiers: ClinVar variation 3596405 (VCV003596405.2).
Genomic context (GRCh38, chr9:121,317,149, plus strand): 5'-TCCAATGGTGCAGGGACCATGTCCGTCTCCCTCGTGGCTGATGAGAACCCCTTCGCCCAG[G>A]GGGCCCTGAAGTCAGAGGACTGCTTCATCCTGGACCACGGCAAAGATGGGAAAATCTTTG-3'
Protein context (NP_937895.1, residues 263-283): LVADENPFAQ[Gly273Arg]ALKSEDCFIL